The following is an entry in ClinVar:

ClinVar aggregate classification (germline): Uncertain significance (1 of 4 stars; one submission).

Submission:

Labcorp Genetics (formerly Invitae), Labcorp
Classification: Uncertain significance. Last evaluated: 2023-11-04. Review status: criteria provided, single submitter. Criteria: Invitae Variant Classification Sherloc (09022015). Collection method: clinical testing. Allele origin: germline.
Comment: This variant, c.1643_1651del, results in the deletion of 3 amino acid(s) of the STAT4 protein (p.Phe548_Phe550del), but otherwise preserves the integrity of the reading frame. This variant is not present in population databases (gnomAD no frequency). This variant has not been reported in the literature in individuals affected with STAT4-related conditions. Experimental studies and prediction algorithms are not available or were not evaluated, and the functional significance of this variant is currently unknown. In summary, the available evidence is currently insufficient to determine the role of this variant in disease. Therefore, it has been classified as a Variant of Uncertain Significance.

NM_003151.4(STAT4):c.1643_1651del (p.Phe548_Phe550del)

Gene: STAT4 (signal transducer and activator of transcription 4; minus strand). Cytogenetic location: 2q32.2.
Variant type: Deletion.
Coding change: c.1643_1651del on transcript NM_003151.4 (MANE Select); coding-DNA positions 1643 to 1651, 9 bases deleted (TTACCTTTT; older notation c.1643_1651delTTACCTTTT).
Protein change: p.Phe548_Phe550del.
Molecular consequence: inframe deletion.
Genome position (GRCh38, 1-based): chr2:191,033,975-191,033,983, AAAAGGTAA deleted on the plus strand (TTACCTTTT on the coding strand, the reverse complement: STAT4 is on the minus strand); deleting any 9 consecutive bases within chr2:191,033,975-191,033,984 gives the same sequence; the c. name uses the placement nearest the transcript's 3' end. VCF-style (leftmost placement, unchanged base first): chr2-191033974-CAAAAGGTAA-C. GRCh37 (hg19) VCF-style: chr2-191898700-CAAAAGGTAA-C.
Other names: c.1643_1651del, p.Phe548_Phe550del (NM_001243835.2).
Identifiers: ClinVar variation 2693201 (VCV002693201.3), dbSNP rs2470648615, ClinGen allele CA2697551476.